The following is an entry in ClinVar:

ClinVar aggregate classification (germline): Uncertain significance (1 of 4 stars; one submission).

Conditions:
Congenital hypogonadotropic hypogonadism. Identifiers: Orphanet 174590, MedGen C3899503, MONDO:0015770.

gnomAD v4.1: 52 of 1,605,062 alleles (0.0032%); highest among the groups gnomAD compares: East Asian, 0.11%; no homozygotes.

Submission:

Reproductive Endocrine Unit, Massachusetts General Hospital
Classification: Uncertain significance for Congenital hypogonadotropic hypogonadism. Last evaluated: 2025-05-01. Review status: criteria provided, single submitter. Criteria: ACMG Guidelines, 2015. Collection method: research. Allele origin: unknown. Affected: yes.
Comment: Ala58Asp meets the BP4 ACMG criteria. In summary, the Ala58Asp is classified as uncertain significance based upon the information we were able to obtain

NM_004098.4(EMX2):c.173C>A (p.Ala58Asp)

Genes: EMX2 (empty spiracles homeobox 2; plus strand), EMX2OS (EMX2 opposite strand/antisense RNA; minus strand). Cytogenetic location: 10q26.11.
Variant type: single nucleotide variant.
Coding change: c.173C>A on transcript NM_004098.4 (MANE Select); coding-DNA position 173, C replaced by A.
Protein change: p.Ala58Asp; replaces alanine 58 with aspartic acid.
Molecular consequence: missense variant.
Genome position (GRCh38, 1-based): chr10:117,543,440, C>A. VCF-style: chr10-117543440-C-A. GRCh37 (hg19) VCF-style: chr10-119302951-C-A.
Other names: c.173C>A, p.Ala58Asp (NM_001165924.2); short protein forms A58D.
Identifiers: ClinVar variation 3896707 (VCV003896707.1).
Genomic context (GRCh38, chr10:117,543,440, plus strand): 5'-ACGCTAACTCCAGCCCCATAAATCCGTTCCTCAACGGCTTCCACTCGGCCGCCGCCGCCG[C>A]CGCCGGTAGGGGCGTCTACTCCAACCCGGACTTGGTGTTCGCCGAGGCGGTCTCGCACCC-3'
Protein context (NP_004089.1, residues 48-68): LNGFHSAAAA[Ala58Asp]AGRGVYSNPD